The following is an entry in ClinVar:

NM_005548.3(KARS1):c.1388G>A (p.Cys463Tyr)

Genes: KARS1 (lysyl-tRNA synthetase 1; minus strand), LOC126862402 (CDK7 strongly-dependent group 2 enhancer GRCh37_chr16:75663368-75664567; plus strand). Cytogenetic location: 16q23.1.
Variant type: single nucleotide variant.
Coding change: c.1388G>A on transcript NM_005548.3 (MANE Select); coding-DNA position 1388, G replaced by A.
Protein change: p.Cys463Tyr; replaces cysteine 463 with tyrosine.
Molecular consequence: missense variant.
Genome position (GRCh38, 1-based): chr16:75,630,459, C>T on the plus strand (G>A on the coding strand, the complement: KARS1 is on the minus strand). VCF-style: chr16-75630459-C-T. GRCh37 (hg19) VCF-style: chr16-75664357-C-T.
Other names: c.1472G>A, p.Cys491Tyr (NM_001130089.2); c.920G>A, p.Cys307Tyr (NM_001378148.1); short protein forms C307Y, C463Y, C491Y.
Identifiers: ClinVar variation 3602481 (VCV003602481.1).

ClinVar aggregate classification (germline): Uncertain significance (1 of 4 stars; one submission).

Submission:

GeneDx
Classification: Uncertain significance. Last evaluated: 2024-08-01. Review status: criteria provided, single submitter. Criteria: GeneDx Variant Classification Process June 2021. Collection method: clinical testing. Allele origin: germline. Affected: yes.
Comment: Not observed at significant frequency in large population cohorts (gnomAD); In silico analysis supports that this missense variant has a deleterious effect on protein structure/function; Has not been previously published as pathogenic or benign to our knowledge